The following is an entry in ClinVar:

ClinVar aggregate classification (germline): Likely pathogenic (1 of 4 stars; one submission).

Submission:

GeneDx
Classification: Likely pathogenic. Last evaluated: 2022-01-11. Review status: criteria provided, single submitter. Criteria: GeneDx Variant Classification Process June 2021. Collection method: clinical testing. Allele origin: germline. Affected: yes.
Comment: Nonsense variant predicted to result in protein truncation or nonsense mediated decay in a gene for which loss-of-function is a known mechanism of disease; Not observed at significant frequency in large population cohorts (gnomAD); Has not been previously published as pathogenic or benign to our knowledge

NM_000284.4(PDHA1):c.642G>A (p.Trp214Ter)

Gene: PDHA1 (pyruvate dehydrogenase E1 subunit alpha 1; plus strand). Cytogenetic location: Xp22.12.
Variant type: single nucleotide variant.
Coding change: c.642G>A on transcript NM_000284.4 (MANE Select); coding-DNA position 642, G replaced by A.
Protein change: p.Trp214Ter; replaces tryptophan 214 with a stop codon.
Molecular consequence: nonsense.
Genome position (GRCh38, 1-based): chrX:19,355,387, G>A. VCF-style: chrX-19355387-G-A. GRCh37 (hg19) VCF-style: chrX-19373505-G-A.
Other names: c.756G>A, p.Trp252Ter (NM_001173454.2); c.663G>A, p.Trp221Ter (NM_001173455.2); c.549G>A, p.Trp183Ter (NM_001173456.2); short protein forms W214*, W221*, W252*, W183*.
Identifiers: ClinVar variation 620304 (VCV000620304.3), dbSNP rs1569191659, ClinGen allele CA412394400.